The following is an entry in ClinVar:

NM_003002.4(SDHD):c.202A>G (p.Ser68Gly)

Gene: SDHD (succinate dehydrogenase complex subunit D; plus strand). Cytogenetic location: 11q23.1.
Variant type: single nucleotide variant.
Coding change: c.202A>G on transcript NM_003002.4 (MANE Select); coding-DNA position 202, A replaced by G.
Protein change: p.Ser68Gly; replaces serine 68 with glycine.
Molecular consequence: missense variant. On other transcripts: non-coding transcript variant (1), intron variant (1).
Genome position (GRCh38, 1-based): chr11:112,088,899, A>G. VCF-style: chr11-112088899-A-G. GRCh37 (hg19) VCF-style: chr11-111959623-A-G.
Other names: c.202A>G, p.Ser68Gly (NM_001276506.2); c.169+926A>G (NM_001276503.2); c.85A>G, p.Ser29Gly (NM_001276504.2); short protein forms S29G, S68G.
Identifiers: ClinVar variation 1692740 (VCV001692740.4), dbSNP rs2135269276, ClinGen allele CA382617218.

ClinVar aggregate classification (germline): Conflicting classifications of pathogenicity. Review status: criteria provided, conflicting classifications (1 of 4 stars). 3 submissions from 3 submitters: Uncertain significance (2); Likely benign (1). Last evaluated 2024-04-16.

Conditions:
Hereditary cancer-predisposing syndrome. Also called: Neoplastic Syndromes, Hereditary; Tumor predisposition; Hereditary Cancer Syndrome; Hereditary neoplastic syndrome. Identifiers: Orphanet 140162, MedGen C0027672, MeSH D009386, MONDO:0015356.
Hereditary pheochromocytoma and paraganglioma. Also called: Hereditary pheochromocytoma-paraganglioma; Hereditary paragangliomas and pheochromocytomas; Hereditary Paraganglioma-Pheochromocytoma Syndromes. Identifiers: Orphanet 29072, MedGen C4274332, MONDO:0017366.

Allele frequency attached by ClinVar (database versions not stated): gnomAD exomes below 0.00001.
gnomAD v4.1: 1 of 1,612,668 alleles (0.000062%); highest among the groups gnomAD compares: South Asian, 0.0011%; no homozygotes.

Submissions (3):

All of Us Research Program, National Institutes of Health
Classification: Uncertain significance for Hereditary pheochromocytoma and paraganglioma. Last evaluated: 2024-04-16. Review status: criteria provided, single submitter. Criteria: ACMG Guidelines, 2015. Collection method: clinical testing. Allele origin: germline. Inheritance: Autosomal dominant inheritance. Observed: 1 variant allele, 1 heterozygote.
Comment: This missense variant replaces serine with glycine at codon 68 of the SDHD protein. Computational prediction is inconclusive regarding the impact of this variant on protein structure and function (internally defined REVEL score threshold 0.5 < inconclusive < 0.7, PMID: 27666373). To our knowledge, functional studies have not been reported for this variant. This variant has not been reported in individuals affected with SDHD-related disorders in the literature. This variant has not been identified in the general population by the Genome Aggregation Database (gnomAD). The available evidence is insufficient to determine the role of this variant in disease conclusively. Therefore, this variant is classified as a Variant of Uncertain Significance.

This study involves interpretation of variants in research participants for the purpose of population health screening. Participant phenotype was not available at the time of variant classification. Additional details can be found in publication PMID: 35346344, PMCID: PMC8962531

Ambry Genetics
Classification: Likely benign for Hereditary cancer-predisposing syndrome. Last evaluated: 2023-09-01. Review status: criteria provided, single submitter. Criteria: Ambry Variant Classification Scheme 2023. Collection method: clinical testing. Allele origin: germline.

Sema4
Classification: Uncertain significance for Hereditary cancer-predisposing syndrome. Last evaluated: 2022-01-06. Review status: criteria provided, single submitter. Criteria: Sema4 Curation Guidelines. Collection method: curation. Allele origin: germline.
Comment: The SDHD c.202A>G (p.S68G) variant has not been reported in the literature to our knowledge. This variant was not observed in the large and broad cohorts of the Genome Aggregation Database (PMID: 32461654). This variant has not been reported in ClinVar. Functional studies have not been performed, and in silico predictions of the variant's effect on protein function are inconclusive. The overall evidence is insufficient to meet ACMG/AMP criteria for classifying it as benign or pathogenic. In summary, the clinical significance of this variant is currently uncertain.